The following is an entry in ClinVar:

NM_001042517.2(DIAPH3):c.3124C>A (p.Arg1042Ser)

Gene: DIAPH3 (diaphanous related formin 3; minus strand). Cytogenetic location: 13q21.2.
Variant type: single nucleotide variant.
Coding change: c.3124C>A on transcript NM_001042517.2 (MANE Select); coding-DNA position 3124, C replaced by A.
Protein change: p.Arg1042Ser; replaces arginine 1042 with serine.
Molecular consequence: missense variant.
Genome position (GRCh38, 1-based): chr13:59,810,827, G>T on the plus strand (C>A on the coding strand, the complement: DIAPH3 is on the minus strand). VCF-style: chr13-59810827-G-T. GRCh37 (hg19) VCF-style: chr13-60384961-G-T.
Other names: c.3091C>A, p.Arg1031Ser (NM_001258366.2); c.2986C>A, p.Arg996Ser (NM_001258367.2); c.2914C>A, p.Arg972Ser (NM_001258368.2); c.3124C>A, p.Arg1042Ser (NM_001258369.2); c.2335C>A, p.Arg779Ser (NM_030932.4); short protein forms R779S, R972S, R996S, R1031S, R1042S.
Identifiers: ClinVar variation 4691763 (VCV004691763.1).
Genomic context (GRCh38, chr13:59,810,827, plus strand): 5'-AACAAATTTGATAGTACTCACCAGTCTTCATTTCTAATAAACGCTTTTTCTTTTGTTGGC[G>T]TTCGAGTCTTTCTCGCTCTGCTAATTCTTTAGCTATTCTGACACGTTTTTCTTTTTCCTC-3'
Protein context (NP_001035982.1, residues 1032-1052): KELAERERLE[Arg1042Ser]QQKKKRLLEM

ClinVar aggregate classification (germline): Uncertain significance (1 of 4 stars; one submission).

gnomAD v4.1: 31 of 1,613,356 alleles (0.0019%); highest among the groups gnomAD compares: Non-Finnish European, 0.0025%; no homozygotes.

Submission:

Labcorp Genetics (formerly Invitae), Labcorp
Classification: Uncertain significance. Last evaluated: 2025-11-04. Review status: criteria provided, single submitter. Criteria: Invitae Variant Classification Sherloc (09022015). Collection method: clinical testing. Allele origin: germline.
Comment: This sequence change replaces arginine, which is basic and polar, with serine, which is neutral and polar, at codon 1042 of the DIAPH3 protein (p.Arg1042Ser). The frequency data for this variant in the population databases is considered unreliable, as metrics indicate poor data quality at this position in the gnomAD database. This variant has not been reported in the literature in individuals affected with DIAPH3-related conditions. An algorithm developed to predict the effect of missense changes on protein structure and function (PolyPhen-2) suggests that this variant is likely to be disruptive. In summary, the available evidence is currently insufficient to determine the role of this variant in disease. Therefore, it has been classified as a Variant of Uncertain Significance.